The following is an entry in ClinVar:

NM_032119.4(ADGRV1):c.17455-2A>T

Gene: ADGRV1 (adhesion G protein-coupled receptor V1; plus strand). Cytogenetic location: 5q14.3.
Variant type: single nucleotide variant.
Coding change: c.17455-2A>T on transcript NM_032119.4 (MANE Select); the canonical splice acceptor site of the intron before coding-DNA position 17455, A replaced by T.
Molecular consequence: splice acceptor variant.
Genome position (GRCh38, 1-based): chr5:90,854,060, A>T. VCF-style: chr5-90854060-A-T. GRCh37 (hg19) VCF-style: chr5-90149877-A-T.
Identifiers: ClinVar variation 1512795 (VCV001512795.8), dbSNP rs1279862720, ClinGen allele CA360430417.
Genomic context (GRCh38, chr5:90,854,060, plus strand): 5'-AGAGACTCAGTCATTACACCAATTGTAAAACATCATTATATGTTCTGTTTTTAACATTCT[A>T]GGTATTATCTTTGAGTGTGAAAGGTCAGAGTTCACAACTCCTGACTAATGACAATGAGGT-3'

ClinVar aggregate classification (germline): Likely pathogenic. Review status: criteria provided, multiple submitters, no conflicts (2 of 4 stars). 3 submissions from 3 submitters: Likely pathogenic (3). Last evaluated 2025-03-31.

Conditions:
ADGRV1-related disorder. Also called: ADGRV1-related disorders; ADGRV1-related condition.
Febrile seizures, familial, 4 (FEB4). Also called: CONVULSIONS, FAMILIAL FEBRILE, 4. Identifiers: MedGen C1858493, MONDO:0011443, OMIM 604352.
Usher syndrome type 2C. Also called: USHER SYNDROME, TYPE IIC; Usher syndrome, type 2B. Identifiers: Orphanet 231178, Orphanet 886, MedGen C2931213, MONDO:0011558, OMIM 605472.

Allele frequency attached by ClinVar (database versions not stated): gnomAD 0.00001; gnomAD exomes 0.00001.
gnomAD v4.1: 10 of 1,569,916 alleles (0.00064%); highest among the groups gnomAD compares: Admixed American, 0.0018%; no homozygotes.

Submissions (3):

Labcorp Genetics (formerly Invitae), Labcorp
Classification: Likely pathogenic. Last evaluated: 2025-03-31. Review status: criteria provided, single submitter. Criteria: Invitae Variant Classification Sherloc (09022015). Collection method: clinical testing. Allele origin: germline.
Comment: This sequence change affects an acceptor splice site in intron 80 of the ADGRV1 gene. It is expected to disrupt RNA splicing. Variants that disrupt the donor or acceptor splice site typically lead to a loss of protein function (PMID: 16199547), and loss-of-function variants in ADGRV1 are known to be pathogenic (PMID: 19357117, 22135276, 22147658, 26226137, 30718709, 31047384, 32467589). This variant is present in population databases (no rsID available, gnomAD 0.007%). This variant has not been reported in the literature in individuals affected with ADGRV1-related conditions. ClinVar contains an entry for this variant (Variation ID: 1512795). Algorithms developed to predict the effect of sequence changes on RNA splicing suggest that this variant may disrupt the consensus splice site. In summary, the currently available evidence indicates that the variant is pathogenic, but additional data are needed to prove that conclusively. Therefore, this variant has been classified as Likely Pathogenic.

Fulgent Genetics
Classification: Likely pathogenic for Febrile seizures, familial, 4; Usher syndrome type 2C. Last evaluated: 2024-04-04. Review status: criteria provided, single submitter. Criteria: ACMG Guidelines, 2015. Collection method: clinical testing. Allele origin: germline.

Blueprint Genetics
Classification: Likely pathogenic for ADGRV1-related disorders. Last evaluated: 2022-11-03. Review status: criteria provided, single submitter. Criteria: ACMG Guidelines, 2015. Collection method: clinical testing. Allele origin: germline. Affected: yes. Observed: 3 variant alleles.

Literature cited by the submitters: PubMed 16199547 (cited by Labcorp Genetics (formerly Invitae), Labcorp); PubMed 19357117 (cited by Labcorp Genetics (formerly Invitae), Labcorp); PubMed 22135276 (cited by Labcorp Genetics (formerly Invitae), Labcorp); PubMed 22147658 (cited by Labcorp Genetics (formerly Invitae), Labcorp); PubMed 26226137 (cited by Labcorp Genetics (formerly Invitae), Labcorp); PubMed 30718709 (cited by Labcorp Genetics (formerly Invitae), Labcorp); PubMed 31047384 (cited by Labcorp Genetics (formerly Invitae), Labcorp); PubMed 32467589 (cited by Labcorp Genetics (formerly Invitae), Labcorp).